The following is an entry in ClinVar:

NM_018062.4(FANCL):c.439G>A (p.Glu147Lys)

Gene: FANCL (FA complementation group L; minus strand). Cytogenetic location: 2p16.1.
Variant type: single nucleotide variant.
Coding change: c.439G>A on transcript NM_018062.4 (MANE Select); coding-DNA position 439, G replaced by A.
Protein change: p.Glu147Lys; replaces glutamic acid 147 with lysine.
Molecular consequence: missense variant.
Genome position (GRCh38, 1-based): chr2:58,204,162, C>T on the plus strand (G>A on the coding strand, the complement: FANCL is on the minus strand). VCF-style: chr2-58204162-C-T. GRCh37 (hg19) VCF-style: chr2-58431297-C-T.
Other names: c.439G>A, p.Glu147Lys (NM_001114636.2, NM_001374615.1, NM_001410792.1); short protein forms E147K.
Identifiers: ClinVar variation 2155377 (VCV002155377.4), dbSNP rs1690335259, ClinGen allele CA347034088.

ClinVar aggregate classification (germline): Uncertain significance (1 of 4 stars; one submission).

Conditions:
Fanconi anemia (FA). Also called: Fanconi's anemia. Identifiers: Orphanet 84, MedGen C0015625, MeSH D005199, MONDO:0019391.

Allele frequency attached by ClinVar (database versions not stated): gnomAD exomes below 0.00001; TOPMed below 0.00001.
gnomAD v4.1: 1 of 1,613,230 alleles (0.000062%); highest among the groups gnomAD compares: Non-Finnish European, 0.000085%; no homozygotes.

Submission:

Labcorp Genetics (formerly Invitae), Labcorp
Classification: Uncertain significance for Fanconi anemia. Last evaluated: 2023-11-28. Review status: criteria provided, single submitter. Criteria: Invitae Variant Classification Sherloc (09022015). Collection method: clinical testing. Allele origin: germline.
Comment: This sequence change replaces glutamic acid, which is acidic and polar, with lysine, which is basic and polar, at codon 147 of the FANCL protein (p.Glu147Lys). This variant is not present in population databases (gnomAD no frequency). This variant has not been reported in the literature in individuals affected with FANCL-related conditions. ClinVar contains an entry for this variant (Variation ID: 2155377). Advanced modeling of protein sequence and biophysical properties (such as structural, functional, and spatial information, amino acid conservation, physicochemical variation, residue mobility, and thermodynamic stability) performed at Invitae indicates that this missense variant is not expected to disrupt FANCL protein function with a negative predictive value of 80%. In summary, the available evidence is currently insufficient to determine the role of this variant in disease. Therefore, it has been classified as a Variant of Uncertain Significance.